The following is an entry in ClinVar:

ClinVar aggregate classification (germline): Likely pathogenic (1 of 4 stars; one submission).

Conditions:
Cohen syndrome (COH1). Also called: PEPPER SYNDROME; Cutis verticis gyrata, retinitis pigmentosa, and sensorineural deafness. Identifiers: Orphanet 193, MedGen C0265223, MONDO:0008999, OMIM 216550.

Submission:

Myriad Genetics, Inc.
Classification: Likely pathogenic for Cohen syndrome. Last evaluated: 2022-01-02. Review status: criteria provided, single submitter. Criteria: Myriad Women's Health Autosomal Recessive and X-Linked Classification Criteria (2021). Collection method: clinical testing. Allele origin: unknown.
Comment: NM_017890.4(VPS13B):c.4119T>A(C1373*) is expected to be pathogenic in the context of Cohen syndrome. This variant is predicted to lead to an abnormal or absent protein product due to the creation of a premature termination codon in VPS13B, a gene where loss-of-function variants are known to be pathogenic. Please note: this variant was assessed in the context of healthy population screening.

NM_152564.5(VPS13B):c.4119T>A (p.Cys1373Ter)

Gene: VPS13B (vacuolar protein sorting 13 homolog B; plus strand). Cytogenetic location: 8q22.2.
Variant type: single nucleotide variant.
Coding change: c.4119T>A on transcript NM_152564.5 (MANE Select); coding-DNA position 4119, T replaced by A.
Protein change: p.Cys1373Ter; replaces cysteine 1373 with a stop codon.
Molecular consequence: nonsense.
Genome position (GRCh38, 1-based): chr8:99,502,912, T>A. VCF-style: chr8-99502912-T-A. GRCh37 (hg19) VCF-style: chr8-100515140-T-A.
Other names: c.4119T>A, p.Cys1373Ter (NM_017890.5); short protein forms C1373*.
Identifiers: ClinVar variation 1726880 (VCV001726880.2), dbSNP rs2490459662, ClinGen allele CA371870058.